The following is an entry in ClinVar:

ClinVar aggregate classification (germline): Benign. Review status: criteria provided, multiple submitters, no conflicts (2 of 4 stars). 4 submissions from 4 submitters: Benign (3). 1 of the submissions does not count toward it. Last evaluated 2021-07-30.

Conditions:
D-2-hydroxyglutaric aciduria 1 (D2HGA1). Identifiers: Orphanet 79315, MedGen C3152055, MONDO:0024554, OMIM 600721.

Allele frequency attached by ClinVar (database versions not stated): 1000 Genomes Project 0.23702; 1000 Genomes Project 30x 0.23876; gnomAD exomes 0.24440; ExAC 0.25155; TOPMed 0.26404; gnomAD 0.26689 and 0.27008; ESP Exome Variant Server 0.28443.
gnomAD v4.1: 410,818 of 1,612,210 alleles (25%); highest among the groups gnomAD compares: Middle Eastern, 33%; 53,624 homozygotes.

Submissions (4):

Genome-Nilou Lab
Classification: Benign for D-2-hydroxyglutaric aciduria 1. Last evaluated: 2021-07-30. Review status: criteria provided, single submitter. Criteria: ACMG Guidelines, 2015. Collection method: clinical testing. Allele origin: germline. Affected: no.

GeneDx
Classification: Benign. Last evaluated: 2021-05-11. Review status: criteria provided, single submitter. Criteria: GeneDx Variant Classification Process June 2021. Collection method: clinical testing. Allele origin: germline. Affected: yes.

Breakthrough Genomics
Classification: Benign. Review status: criteria provided, single submitter. Criteria: ACMG Guidelines, 2015. Collection method: not provided. Allele origin: germline. Inheritance: Autosomal recessive inheritance. Affected: yes.

Genetic Services Laboratory, University of Chicago
Classification: Likely benign. Review status: no assertion criteria provided. Collection method: clinical testing. Allele origin: germline. Inheritance: Autosomal recessive inheritance. Not counted in ClinVar's aggregate classification.
Comment: Likely benign based on allele frequency in 1000 Genomes Project or ESP global frequency and its presence in a patient with a rare or unrelated disease phenotype. NOT Sanger confirmed

NM_152783.5(D2HGDH):c.490+40T>C

Gene: D2HGDH (D-2-hydroxyglutarate dehydrogenase; plus strand). Cytogenetic location: 2q37.3.
Variant type: single nucleotide variant.
Coding change: c.490+40T>C on transcript NM_152783.5 (MANE Select); 40 bases into the intron after coding-DNA position 490, T replaced by C.
Molecular consequence: intron variant.
Genome position (GRCh38, 1-based): chr2:241,742,614, T>C. VCF-style: chr2-241742614-T-C. GRCh37 (hg19) VCF-style: chr2-242682029-T-C.
Other names: c.-55+40T>C (NM_001352824.2); c.88+40T>C (NM_001287249.2).
Identifiers: ClinVar variation 158421 (VCV000158421.13), dbSNP rs78147778, ClinGen allele CA171841.
Genomic context (GRCh38, chr2:241,742,614, plus strand): 5'-TCAGCTTCCACAGCGTGTCTGGTAAGCCTGTGCCACCCGTCGGGGCCCAGGAGTCCCTCC[T>C]GGTGCTGGTGGAGTTCTTCCTTGCCAGCGTCTGCAACTGTGGGGTGCTTGGGTGGGTGAA-3'